The following is an entry in ClinVar:

NM_017946.4(FKBP14):c.305A>G (p.Lys102Arg)

Genes: FKBP14 (FKBP prolyl isomerase 14; minus strand), FKBP14-AS1 (FKBP14 antisense RNA 1; plus strand). Cytogenetic location: 7p14.3.
Variant type: single nucleotide variant.
Coding change: c.305A>G on transcript NM_017946.4 (MANE Select); coding-DNA position 305, A replaced by G.
Protein change: p.Lys102Arg; replaces lysine 102 with arginine.
Molecular consequence: missense variant. On other transcripts: non-coding transcript variant (1).
Genome position (GRCh38, 1-based): chr7:30,022,709, T>C on the plus strand (A>G on the coding strand, the complement: FKBP14 is on the minus strand). VCF-style: chr7-30022709-T-C. GRCh37 (hg19) VCF-style: chr7-30062325-T-C.
Other names: short protein forms K102R.
Identifiers: ClinVar variation 1482726 (VCV001482726.6), dbSNP rs1376933291, ClinGen allele CA367117350.

ClinVar aggregate classification (germline): Uncertain significance (1 of 4 stars; one submission).

Conditions:
Ehlers-Danlos syndrome, kyphoscoliotic type, 2. Also called: Ehlers-Danlos syndrome, kyphoscoliotic and deafness type; FKBP14-Kyphoscoliotic Ehlers-Danlos Syndrome; Ehlers-Danlos syndrome with progressive kyphoscoliosis, myopathy, and hearing loss. Identifiers: Orphanet 300179, MedGen C3281160, MONDO:0013800, OMIM 614557.

Submission:

Labcorp Genetics (formerly Invitae), Labcorp
Classification: Uncertain significance for Ehlers-Danlos syndrome, kyphoscoliotic type, 2. Last evaluated: 2021-08-20. Review status: criteria provided, single submitter. Criteria: Invitae Variant Classification Sherloc (09022015). Collection method: clinical testing. Allele origin: germline.
Comment: This sequence change replaces lysine with arginine at codon 102 of the FKBP14 protein (p.Lys102Arg). The lysine residue is highly conserved and there is a small physicochemical difference between lysine and arginine. This variant is not present in population databases (ExAC no frequency). This variant has not been reported in the literature in individuals affected with FKBP14-related conditions. Algorithms developed to predict the effect of missense changes on protein structure and function are either unavailable or do not agree on the potential impact of this missense change (SIFT: "Deleterious"; PolyPhen-2: "Benign"; Align-GVGD: "Class C25"). In summary, the available evidence is currently insufficient to determine the role of this variant in disease. Therefore, it has been classified as a Variant of Uncertain Significance.